The following is an entry in ClinVar:

NM_024870.4(PREX2):c.1200G>A (p.Lys400=)

Gene: PREX2 (phosphatidylinositol-3,4,5-trisphosphate dependent Rac exchange factor 2; plus strand). Cytogenetic location: 8q13.2.
Variant type: single nucleotide variant.
Coding change: c.1200G>A on transcript NM_024870.4 (MANE Select); coding-DNA position 1200, G replaced by A.
Protein change: p.Lys400=; no amino-acid change (lysine 400 retained).
Molecular consequence: synonymous variant.
Genome position (GRCh38, 1-based): chr8:68,055,936, G>A. VCF-style: chr8-68055936-G-A. GRCh37 (hg19) VCF-style: chr8-68968171-G-A.
Other names: c.1200G>A, p.Lys400= (NM_025170.6); c.1200G>A (NM_024870.3).
Identifiers: ClinVar variation 1253695 (VCV001253695.5), dbSNP rs1434775, ClinGen allele CA4773526.
Genomic context (GRCh38, chr8:68,055,936, plus strand): 5'-ACAGGGTGAGAAACTTTATAAAATGATGTGCAGACAAGGAAATCTGATCAAAGACCGAAA[G>A]AGAAAACTGACTACGTTCCCTAAATGCTTTCTTGGAAGGTAGGGTTGGGAGTTTGGGTGC-3'
Protein context (NP_079146.2, residues 390-410): CRQGNLIKDR[Lys400=]RKLTTFPKCF

ClinVar aggregate classification (germline): Benign. Review status: criteria provided, multiple submitters, no conflicts (2 of 4 stars). 3 submissions from 3 submitters: Benign (2). 1 of the submissions does not count toward it. Last evaluated 2018-12-12.

Conditions:
PREX2-related disorder. Also called: PREX2-related condition.

Allele frequency attached by ClinVar (database versions not stated): gnomAD exomes 0.49736 and 0.50177; ExAC 0.50641; 1000 Genomes Project 0.56170; 1000 Genomes Project 30x 0.57121; TOPMed 0.58590; gnomAD 0.58812 and 0.59825; ESP Exome Variant Server 0.60234.
gnomAD v4.1: 820,527 of 1,608,626 alleles (51%); highest among the groups gnomAD compares: African/African-American, 84%; 216,388 homozygotes.

Submissions (3):

GeneDx
Classification: Benign. Last evaluated: 2018-12-12. Review status: criteria provided, single submitter. Criteria: GeneDx Variant Classification Process June 2021. Collection method: clinical testing. Allele origin: germline. Affected: yes.

Breakthrough Genomics
Classification: Benign. Review status: criteria provided, single submitter. Criteria: ACMG Guidelines, 2015. Collection method: not provided. Allele origin: germline. Inheritance: Unknown mechanism. Affected: yes.

PreventionGenetics, part of Exact Sciences
Classification: Benign for PREX2-related condition. Last evaluated: 2019-10-17. Review status: no assertion criteria provided. Collection method: clinical testing. Allele origin: germline. Not counted in ClinVar's aggregate classification.
Comment: This variant is classified as benign based on ACMG/AMP sequence variant interpretation guidelines (Richards et al. 2015 PMID: 25741868, with internal and published modifications).